The following is an entry in ClinVar:

NM_000182.5(HADHA):c.703_704dup (p.Thr236fs)

Gene: HADHA (hydroxyacyl-CoA dehydrogenase trifunctional multienzyme complex subunit alpha; minus strand). Cytogenetic location: 2p23.3.
Variant type: Duplication.
Coding change: c.703_704dup on transcript NM_000182.5 (MANE Select); coding-DNA positions 703 to 704, 2 bases duplicated (CG; older notation c.703_704dupCG).
Protein change: p.Thr236fs; shifts the reading frame from threonine 236.
Molecular consequence: frameshift variant.
Genome position (GRCh38, 1-based): chr2:26,215,148-26,215,149, CG duplicated on the plus strand (CG on the coding strand, the reverse complement: HADHA is on the minus strand). VCF-style (leftmost placement, unchanged base first): chr2-26215147-C-CCG. GRCh37 (hg19) VCF-style: chr2-26438016-C-CCG.
Other names: short protein forms T236fs.
Identifiers: ClinVar variation 2113521 (VCV002113521.4), dbSNP rs771622695, ClinGen allele CA1559807.

ClinVar aggregate classification (germline): Pathogenic (1 of 4 stars; one submission).

Conditions:
Mitochondrial trifunctional protein deficiency. Identifiers: Orphanet 746, MedGen C1969443, MONDO:0012172.
Long chain 3-hydroxyacyl-CoA dehydrogenase deficiency. Also called: Deficiency of long-chain 3-hydroxyacyl-coenzyme A dehydrogenase; LCHAD Deficiency. Identifiers: Orphanet 5, MedGen C3711645, MONDO:0012173, OMIM 609016.

Allele frequency attached by ClinVar (database versions not stated): ExAC 0.00001.

Submission:

Labcorp Genetics (formerly Invitae), Labcorp
Classification: Pathogenic for Mitochondrial trifunctional protein deficiency; Long chain 3-hydroxyacyl-CoA dehydrogenase deficiency. Last evaluated: 2024-08-28. Review status: criteria provided, single submitter. Criteria: Invitae Variant Classification Sherloc (09022015). Collection method: clinical testing. Allele origin: germline.
Comment: This sequence change creates a premature translational stop signal (p.Thr236Glyfs*3) in the HADHA gene. It is expected to result in an absent or disrupted protein product. Loss-of-function variants in HADHA are known to be pathogenic (PMID: 7738175, 21103935, 21549624, 22459206). This variant is not present in population databases (gnomAD no frequency). This premature translational stop signal has been observed in individual(s) with clinical features of long-chain 3-hydroxyacyl-CoA dehydrogenase (LCHAD) deficiency (PMID: 37549033). ClinVar contains an entry for this variant (Variation ID: 2113521). For these reasons, this variant has been classified as Pathogenic.

Literature cited by the submitters: PubMed 7738175; PubMed 21103935; PubMed 21549624; PubMed 22459206; PubMed 37549033.